The following is an entry in ClinVar:

NM_003119.4(SPG7):c.1061G>C (p.Gly354Ala)

Gene: SPG7 (SPG7 matrix AAA peptidase subunit, paraplegin; plus strand). Cytogenetic location: 16q24.3.
Variant type: single nucleotide variant.
Coding change: c.1061G>C on transcript NM_003119.4 (MANE Select); coding-DNA position 1061, G replaced by C.
Protein change: p.Gly354Ala; replaces glycine 354 with alanine.
Molecular consequence: missense variant.
Genome position (GRCh38, 1-based): chr16:89,531,977, G>C. VCF-style: chr16-89531977-G-C. GRCh37 (hg19) VCF-style: chr16-89598385-G-C.
Other names: c.1061G>C, p.Gly354Ala (NM_001363850.1, NM_199367.3); short protein forms G354A.
Identifiers: ClinVar variation 1523175 (VCV001523175.6), dbSNP rs2152403446, ClinGen allele CA397420263.

ClinVar aggregate classification (germline): Likely pathogenic (1 of 4 stars; one submission).

Conditions:
Hereditary spastic paraplegia 7 (SPG7). Also called: SPASTIC PARAPLEGIA 7, AUTOSOMAL RECESSIVE, WITH OR WITHOUT CEREBELLAR ATAXIA; Spastic paraplegia 7; Hereditary spastic paraplegia Paraplegin type; Autosomal recessive spastic paraplegia type 7; SPG7-related neurologic disorder. Identifiers: Orphanet 99013, MedGen C1846564, MONDO:0011803, OMIM 607259.

gnomAD v4.1: 1 of 1,613,950 alleles (0.000062%); highest among the groups gnomAD compares: South Asian, 0.0011%; no homozygotes.

Submission:

Labcorp Genetics (formerly Invitae), Labcorp
Classification: Likely pathogenic for Hereditary spastic paraplegia 7. Last evaluated: 2024-10-08. Review status: criteria provided, single submitter. Criteria: Invitae Variant Classification Sherloc (09022015). Collection method: clinical testing. Allele origin: germline.
Comment: This sequence change replaces glycine, which is neutral and non-polar, with alanine, which is neutral and non-polar, at codon 354 of the SPG7 protein (p.Gly354Ala). This variant is not present in population databases (gnomAD no frequency). This missense change has been observed in individuals with clinical features of hereditary spastic paraplegia (PMID: 22571692; internal data). ClinVar contains an entry for this variant (Variation ID: 1523175). Invitae Evidence Modeling of protein sequence and biophysical properties (such as structural, functional, and spatial information, amino acid conservation, physicochemical variation, residue mobility, and thermodynamic stability) indicates that this missense variant is expected to disrupt SPG7 protein function with a positive predictive value of 80%. In summary, the currently available evidence indicates that the variant is pathogenic, but additional data are needed to prove that conclusively. Therefore, this variant has been classified as Likely Pathogenic.

Literature cited by the submitters: PubMed 22571692.